The following is an entry in ClinVar:

NM_133497.4(KCNV2):c.153T>A (p.Tyr51Ter)

Gene: KCNV2 (potassium voltage-gated channel modifier subfamily V member 2; plus strand). Cytogenetic location: 9p24.2.
Variant type: single nucleotide variant.
Coding change: c.153T>A on transcript NM_133497.4 (MANE Select); coding-DNA position 153, T replaced by A.
Protein change: p.Tyr51Ter; replaces tyrosine 51 with a stop codon.
Molecular consequence: nonsense.
Genome position (GRCh38, 1-based): chr9:2,717,892, T>A. VCF-style: chr9-2717892-T-A. GRCh37 (hg19) VCF-style: chr9-2717892-T-A.
Other names: short protein forms Y51*.
Identifiers: ClinVar variation 2023676 (VCV002023676.5), dbSNP rs950492553, ClinGen allele CA372795810.
Genomic context (GRCh38, chr9:2,717,892, plus strand): 5'-CTCCCTGGGTGCCCGTTCCGGCTCCCAGGCCAGCATCCACGGCTGGACAGAGGGCAACTA[T>A]AACTACTACATCGAGGAAGACGAAGACGGCGAGGAGGAGGACCAGTGGAAGGACGACCTG-3'

ClinVar aggregate classification (germline): Pathogenic/Likely pathogenic. Review status: criteria provided, multiple submitters, no conflicts (2 of 4 stars). 2 submissions from 2 submitters: Pathogenic (1); Likely pathogenic (1). Last evaluated 2024-10-08.

Conditions:
KCNV2-related disorder. Also called: KCNV2-related condition.

Submissions (2):

Labcorp Genetics (formerly Invitae), Labcorp
Classification: Pathogenic. Last evaluated: 2024-10-08. Review status: criteria provided, single submitter. Criteria: Invitae Variant Classification Sherloc (09022015). Collection method: clinical testing. Allele origin: germline.
Comment: This sequence change creates a premature translational stop signal (p.Tyr51*) in the KCNV2 gene. It is expected to result in an absent or disrupted protein product. Loss-of-function variants in KCNV2 are known to be pathogenic (PMID: 16909397, 18235024). This variant is not present in population databases (gnomAD no frequency). This variant has not been reported in the literature in individuals affected with KCNV2-related conditions. ClinVar contains an entry for this variant (Variation ID: 2023676). For these reasons, this variant has been classified as Pathogenic.

Blueprint Genetics
Classification: Likely pathogenic for KCNV2-related disorders. Last evaluated: 2020-03-31. Review status: criteria provided, single submitter. Criteria: ACMG Guidelines, 2015. Collection method: clinical testing. Allele origin: germline. Affected: yes. Observed: 1 variant allele.

Literature cited by the submitters: PubMed 16909397 (cited by Labcorp Genetics (formerly Invitae), Labcorp); PubMed 18235024 (cited by Labcorp Genetics (formerly Invitae), Labcorp).